The following is an entry in ClinVar:

ClinVar aggregate classification (germline): Uncertain significance (1 of 4 stars; one submission).

Conditions:
Hereditary sensory and autonomic neuropathy type 6. Also called: HSAN VI; Neuropathy, hereditary sensory and autonomic, type VI. Identifiers: Orphanet 314381, MedGen C3539003, MONDO:0013839, OMIM 614653.

Allele frequency attached by ClinVar (database versions not stated): gnomAD exomes below 0.00001.

Submission:

Illumina Laboratory Services, Illumina
Classification: Uncertain significance for Hereditary sensory and autonomic neuropathy type 6. Last evaluated: 2020-11-25. Review status: criteria provided, single submitter. Criteria: ICSLVariantClassificationCriteria RUGD 01 April 2020. Collection method: clinical testing. Allele origin: unknown.
Comment: The DST c.1118C>T (p.Pro373Leu) variant is a missense variant. A literature search was performed for the gene, cDNA change, and amino acid change. No publications were found based on this search. This variant is not found in the Genome Aggregation Database in a region of good sequence coverage, so the variant is presumed to be rare. The p.Pro373Leu variant is located at the 5' end of exon 10; it is unclear whether the variant lies in a non-coding region, upstream of the dystonin-a3/b3 isoform initiation codon (Motley et al. 2020), or is expected to be present in both the neuronal and muscular isoforms (Fortugno et al. 2019). Based on the limited evidence, the p.Pro373Leu variant is classified as a variant of uncertain significance for hereditary sensory and autonomic neuropathy type VI.

Literature cited by the submitters: PubMed 30371979; PubMed 32802955.

NM_001374736.1(DST):c.1217C>T (p.Pro406Leu)

Gene: DST (dystonin; minus strand). Cytogenetic location: 6p12.1.
Variant type: single nucleotide variant.
Coding change: c.1217C>T on transcript NM_001374736.1 (MANE Select); coding-DNA position 1217, C replaced by T.
Protein change: p.Pro406Leu; replaces proline 406 with leucine.
Molecular consequence: missense variant.
Genome position (GRCh38, 1-based): chr6:56,651,242, G>A on the plus strand (C>T on the coding strand, the complement: DST is on the minus strand). VCF-style: chr6-56651242-G-A. GRCh37 (hg19) VCF-style: chr6-56516040-G-A.
Other names: c.584C>T, p.Pro195Leu (NM_001386100.1, NM_183380.4, NM_001374729.1 and 1 more transcripts); c.1118C>T, p.Pro373Leu (NM_001144769.5); c.704C>T, p.Pro235Leu (NM_001144770.2); c.1217C>T, p.Pro406Leu (NM_001374722.1); c.1244C>T, p.Pro415Leu (NM_001374734.1); short protein forms P195L, P235L, P373L, P406L, P415L.
Identifiers: ClinVar variation 1199213 (VCV001199213.4), dbSNP rs1563465064, ClinGen allele CA364617108.
Genomic context (GRCh38, chr6:56,651,242, plus strand): 5'-GCATGCTCTAAATTTGCAAGGTTGCTTTGAACAGCAACAGTATTCATATCTATCAGGTCC[G>A]GCCTAGGAAAAAATTCACTGTGTTAATTAGGTTTTCTCATGTGCCAATTCAACATTATAT-3'
Protein context (NP_001361665.1, residues 396-416): LFNAIIHKYR[Pro406Leu]DLIDMNTVAV